The following is an entry in ClinVar:

ClinVar aggregate classification (germline): Uncertain significance. Review status: criteria provided, multiple submitters, no conflicts (2 of 4 stars). 4 submissions from 4 submitters: Uncertain significance (4). Last evaluated 2025-11-07.

Conditions:
Charcot-Marie-Tooth disease. Also called: Charcot-Marie-Tooth Neuropathy; Charcot-Marie-Tooth Hereditary Neuropathy. Identifiers: Orphanet 166, MedGen C0007959, MONDO:0015626.
IGHMBP2-related disorder. Also called: IGHMBP2-related condition; IGHMBP2-related disorders.
Charcot-Marie-Tooth disease axonal type 2S. Also called: CHARCOT-MARIE-TOOTH NEUROPATHY, TYPE 2S; CHARCOT-MARIE-TOOTH DISEASE, AXONAL, AUTOSOMAL RECESSIVE, TYPE 2S. Identifiers: Orphanet 443073, MedGen C4015349, MONDO:0014511, OMIM 616155.
Autosomal recessive distal spinal muscular atrophy 1. Also called: NEURONOPATHY, SEVERE INFANTILE AXONAL, WITH RESPIRATORY FAILURE; SEVERE INFANTILE AXONAL NEUROPATHY WITH RESPIRATORY FAILURE; SPINAL MUSCULAR ATROPHY, DIAPHRAGMATIC; Spinal muscular atrophy with respiratory distress 1; NEURONOPATHY, DISTAL HEREDITARY MOTOR, HARDING TYPE VI; NEUROPATHY, DISTAL HEREDITARY MOTOR, AUTOSOMAL RECESSIVE 1. Identifiers: Orphanet 98920, MedGen C1858517, MONDO:0011436, OMIM 604320.

Allele frequency attached by ClinVar (database versions not stated): ExAC 0.00002; gnomAD exomes 0.00003 and 0.00007; gnomAD 0.00005; TOPMed 0.00005; 1000 Genomes Project 0.00020; 1000 Genomes Project 30x 0.00031.
gnomAD v4.1: 111 of 1,614,178 alleles (0.0069%); highest among the groups gnomAD compares: Non-Finnish European, 0.0086%; no homozygotes.

Submissions (4):

PreventionGenetics, part of Exact Sciences
Classification: Uncertain significance for IGHMBP2-related condition. Last evaluated: 2025-11-07. Review status: criteria provided, single submitter. Criteria: ACMG Guidelines, 2015. Collection method: clinical testing. Allele origin: germline.
Comment: The IGHMBP2 c.1795G>A variant is predicted to result in the amino acid substitution p.Val599Met. This variant was reported as a variant of uncertain significance in an individual from a large cohort study of Charcot-Marie-Tooth disease; however, additional evidence was not provided (Volodarsky et al. 2021. PubMed ID: 32376792). This variant is reported in 0.0058% of alleles in individuals of Latino descent in gnomAD. At this time, the clinical significance of this variant is uncertain due to the absence of conclusive functional and genetic evidence.

Labcorp Genetics (formerly Invitae), Labcorp
Classification: Uncertain significance for Autosomal recessive distal spinal muscular atrophy 1; Charcot-Marie-Tooth disease axonal type 2S. Last evaluated: 2021-08-14. Review status: criteria provided, single submitter. Criteria: Invitae Variant Classification Sherloc (09022015). Collection method: clinical testing. Allele origin: germline.
Comment: This sequence change replaces valine with methionine at codon 599 of the IGHMBP2 protein (p.Val599Met). The valine residue is highly conserved and there is a small physicochemical difference between valine and methionine. This variant is present in population databases (rs199770424, ExAC 0.009%). This variant has not been reported in the literature in individuals affected with IGHMBP2-related conditions. ClinVar contains an entry for this variant (Variation ID: 917019). Advanced modeling of protein sequence and biophysical properties (such as structural, functional, and spatial information, amino acid conservation, physicochemical variation, residue mobility, and thermodynamic stability) performed at Invitae indicates that this missense variant is expected to disrupt IGHMBP2 protein function. In summary, the available evidence is currently insufficient to determine the role of this variant in disease. Therefore, it has been classified as a Variant of Uncertain Significance.

Revvity Omics, Revvity
Classification: Uncertain significance. Last evaluated: 2019-10-15. Review status: criteria provided, single submitter. Criteria: ACMG Guidelines, 2015. Collection method: clinical testing. Allele origin: germline.

Molecular Genetics Laboratory, London Health Sciences Centre
Classification: Uncertain significance for Charcot-Marie-Tooth disease. Review status: criteria provided, single submitter. Criteria: ACMG Guidelines, 2015. Collection method: clinical testing. Allele origin: germline. Affected: yes.

NM_002180.3(IGHMBP2):c.1795G>A (p.Val599Met)

Gene: IGHMBP2 (immunoglobulin mu DNA binding protein 2; plus strand). Cytogenetic location: 11q13.3.
Variant type: single nucleotide variant.
Coding change: c.1795G>A on transcript NM_002180.3 (MANE Select); coding-DNA position 1795, G replaced by A.
Protein change: p.Val599Met; replaces valine 599 with methionine.
Molecular consequence: missense variant.
Genome position (GRCh38, 1-based): chr11:68,936,275, G>A. VCF-style: chr11-68936275-G-A. GRCh37 (hg19) VCF-style: chr11-68703743-G-A.
Other names: short protein forms V599M.
Identifiers: ClinVar variation 917019 (VCV000917019.9), dbSNP rs199770424, ClinGen allele CA6153780.